The following is an entry in ClinVar:

ClinVar aggregate classification (germline): Likely benign. Review status: criteria provided, multiple submitters, no conflicts (2 of 4 stars). 2 submissions from 2 submitters: Likely benign (2). Last evaluated 2025-03-15.

Allele frequency attached by ClinVar (database versions not stated): gnomAD exomes 0.00001 and 0.00002; TOPMed 0.00002; gnomAD 0.00003; ExAC 0.00006; ESP Exome Variant Server 0.00009.
gnomAD v4.1: 18 of 1,206,393 alleles (0.0015%); highest among the groups gnomAD compares: East Asian, 0.0059%; no homozygotes.

Submissions (2):

Labcorp Genetics (formerly Invitae), Labcorp
Classification: Likely benign. Last evaluated: 2025-03-15. Review status: criteria provided, single submitter. Criteria: Invitae Variant Classification Sherloc (09022015). Collection method: clinical testing. Allele origin: germline.

CeGaT Center for Human Genetics Tuebingen
Classification: Likely benign. Last evaluated: 2022-08-01. Review status: criteria provided, single submitter. Criteria: CeGaT Center For Human Genetics Tuebingen Variant Classification Criteria Version 2. Collection method: clinical testing. Allele origin: germline. Affected: yes. Observed: 1 variant allele.
Comment: RBM10: BP4

NM_005676.5(RBM10):c.2355+8C>T

Gene: RBM10 (RNA binding motif protein 10; plus strand). Cytogenetic location: Xp11.3.
Variant type: single nucleotide variant.
Coding change: c.2355+8C>T on transcript NM_005676.5 (MANE Select); 8 bases into the intron after coding-DNA position 2355, C replaced by T.
Molecular consequence: intron variant.
Genome position (GRCh38, 1-based): chrX:47,185,638, C>T. VCF-style: chrX-47185638-C-T. GRCh37 (hg19) VCF-style: chrX-47045037-C-T.
Other names: c.2550+8C>T (NM_001204468.2); c.2352+8C>T (NM_001204467.2); c.2124+8C>T (NM_001204466.2); c.2121+8C>T (NM_152856.3).
Identifiers: ClinVar variation 1701598 (VCV001701598.33), dbSNP rs371490596, ClinGen allele CA10395445.